The following is an entry in ClinVar:

ClinVar aggregate classification (germline): Uncertain significance (1 of 4 stars; one submission).

Submission:

Labcorp Genetics (formerly Invitae), Labcorp
Classification: Uncertain significance. Last evaluated: 2025-06-04. Review status: criteria provided, single submitter. Criteria: Invitae Variant Classification Sherloc (09022015). Collection method: clinical testing. Allele origin: germline.
Comment: This sequence change is expected to alter the c-terminus of the OSTM1 protein (p.Phe291Leufs*52). While this is not anticipated to result in nonsense mediated decay, it is expected to disrupt the last 44 amino acid(s) of the OSTM1 protein and extend the protein by 7 additional amino acid residues. This variant is not present in population databases (gnomAD no frequency). This variant has not been reported in the literature in individuals affected with OSTM1-related conditions. Experimental studies and prediction algorithms are not available or were not evaluated, and the functional significance of this variant is currently unknown. In summary, the available evidence is currently insufficient to determine the role of this variant in disease. Therefore, it has been classified as a Variant of Uncertain Significance.

NM_014028.4(OSTM1):c.873del (p.Phe291fs)

Gene: OSTM1 (osteoclastogenesis associated transmembrane protein 1; minus strand). Cytogenetic location: 6q21.
Variant type: Deletion.
Coding change: c.873del on transcript NM_014028.4 (MANE Select); coding-DNA position 873, one base deleted (C; older notation c.873delC).
Protein change: p.Phe291fs; shifts the reading frame from phenylalanine 291.
Molecular consequence: frameshift variant.
Genome position (GRCh38, 1-based): chr6:108,049,329, G deleted on the plus strand (C on the coding strand, the reverse complement: OSTM1 is on the minus strand). VCF-style (leftmost placement, unchanged base first): chr6-108049328-TG-T. GRCh37 (hg19) VCF-style: chr6-108370532-TG-T.
Other names: short protein forms F291fs.
Identifiers: ClinVar variation 4717002 (VCV004717002.1).
Genomic context (GRCh38, chr6:108,049,328, plus strand): 5'-GTTTCTTTTGCTCTGAGTGAAGAAAGCTACTAAGGTAGAAGACAACAGGTAGAAAGAGAA[TG>T]AACACAGAAACAGCAATTACAGGCACTGTGTCACTGCAAGGGACTGAACAGTTGAAAGTT-3'